The following is an entry in ClinVar:

NM_052859.4(RFT1):c.1315A>G (p.Met439Val)

Gene: RFT1 (RFT1 glycolipid translocator homolog; minus strand). Cytogenetic location: 3p21.1.
Variant type: single nucleotide variant.
Coding change: c.1315A>G on transcript NM_052859.4 (MANE Select); coding-DNA position 1315, A replaced by G.
Protein change: p.Met439Val; replaces methionine 439 with valine.
Molecular consequence: missense variant.
Genome position (GRCh38, 1-based): chr3:53,092,512, T>C on the plus strand (A>G on the coding strand, the complement: RFT1 is on the minus strand). VCF-style: chr3-53092512-T-C. GRCh37 (hg19) VCF-style: chr3-53126528-T-C.
Other names: short protein forms M439V.
Identifiers: ClinVar variation 1384390 (VCV001384390.6), dbSNP rs754783004, ClinGen allele CA2451181.

ClinVar aggregate classification (germline): Uncertain significance. Review status: criteria provided, multiple submitters, no conflicts (2 of 4 stars). 2 submissions from 2 submitters: Uncertain significance (2). Last evaluated 2022-09-01.

Conditions:
RFT1-congenital disorder of glycosylation (CDG1N). Also called: Congenital disorder of glycosylation type In; RFT1-CDG; CDG In. Identifiers: Orphanet 244310, MedGen C2677590, MONDO:0012783, OMIM 612015.

Allele frequency attached by ClinVar (database versions not stated): gnomAD 0.00001 and 0.00002; TOPMed 0.00001; gnomAD exomes 0.00002; ExAC 0.00004.
gnomAD v4.1: 36 of 1,612,384 alleles (0.0022%); highest among the groups gnomAD compares: South Asian, 0.0044%; no homozygotes.

Submissions (2):

Labcorp Genetics (formerly Invitae), Labcorp
Classification: Uncertain significance for RFT1-congenital disorder of glycosylation. Last evaluated: 2022-09-01. Review status: criteria provided, single submitter. Criteria: Invitae Variant Classification Sherloc (09022015). Collection method: clinical testing. Allele origin: germline.
Comment: This sequence change replaces methionine, which is neutral and non-polar, with valine, which is neutral and non-polar, at codon 439 of the RFT1 protein (p.Met439Val). This variant is present in population databases (rs754783004, gnomAD 0.007%). This variant has not been reported in the literature in individuals affected with RFT1-related conditions. ClinVar contains an entry for this variant (Variation ID: 1384390). Algorithms developed to predict the effect of missense changes on protein structure and function are either unavailable or do not agree on the potential impact of this missense change (SIFT: "Deleterious"; PolyPhen-2: "Probably Damaging"; Align-GVGD: "Class C15"). Algorithms developed to predict the effect of sequence changes on RNA splicing suggest that this variant may create or strengthen a splice site. In summary, the available evidence is currently insufficient to determine the role of this variant in disease. Therefore, it has been classified as a Variant of Uncertain Significance.

Breakthrough Genomics
Classification: Uncertain significance. Review status: criteria provided, single submitter. Criteria: ACMG Guidelines, 2015. Collection method: not provided. Allele origin: germline. Inheritance: Autosomal recessive inheritance. Affected: yes.